The following is an entry in ClinVar:

ClinVar aggregate classification (germline): Uncertain significance. Review status: criteria provided, multiple submitters, no conflicts (2 of 4 stars). 2 submissions from 2 submitters: Uncertain significance (2). Last evaluated 2025-04-23.

Allele frequency attached by ClinVar (database versions not stated): ExAC 0.00002; gnomAD exomes 0.00002; TOPMed 0.00003; gnomAD 0.00004; ESP Exome Variant Server 0.00009.
gnomAD v4.1: 44 of 1,204,340 alleles (0.0037%); highest among the groups gnomAD compares: Non-Finnish European, 0.0047%; no homozygotes.

Submissions (2):

Labcorp Genetics (formerly Invitae), Labcorp
Classification: Uncertain significance. Last evaluated: 2025-04-23. Review status: criteria provided, single submitter. Criteria: Invitae Variant Classification Sherloc (09022015). Collection method: clinical testing. Allele origin: germline.
Comment: This sequence change replaces lysine, which is basic and polar, with asparagine, which is neutral and polar, at codon 265 of the CACNA1F protein (p.Lys265Asn). This variant is present in population databases (rs145632023, gnomAD 0.005%). This variant has not been reported in the literature in individuals affected with CACNA1F-related conditions. ClinVar contains an entry for this variant (Variation ID: 1479532). Invitae Evidence Modeling of protein sequence and biophysical properties (such as structural, functional, and spatial information, amino acid conservation, physicochemical variation, residue mobility, and thermodynamic stability) indicates that this missense variant is not expected to disrupt CACNA1F protein function with a negative predictive value of 80%. In summary, the available evidence is currently insufficient to determine the role of this variant in disease. Therefore, it has been classified as a Variant of Uncertain Significance.

Blueprint Genetics
Classification: Uncertain significance. Last evaluated: 2024-07-25. Review status: criteria provided, single submitter. Criteria: ACMG Guidelines, 2015. Collection method: clinical testing. Allele origin: germline.

NM_001256789.3(CACNA1F):c.795G>C (p.Lys265Asn)

Gene: CACNA1F (calcium voltage-gated channel subunit alpha1 F; minus strand). Cytogenetic location: Xp11.23.
Variant type: single nucleotide variant.
Coding change: c.795G>C on transcript NM_001256789.3 (MANE Select); coding-DNA position 795, G replaced by C.
Protein change: p.Lys265Asn; replaces lysine 265 with asparagine.
Molecular consequence: missense variant.
Genome position (GRCh38, 1-based): chrX:49,230,242, C>G on the plus strand (G>C on the coding strand, the complement: CACNA1F is on the minus strand). VCF-style: chrX-49230242-C-G. GRCh37 (hg19) VCF-style: chrX-49086704-C-G.
Other names: c.600G>C, p.Lys200Asn (NM_001256790.3); c.795G>C, p.Lys265Asn (NM_005183.4); short protein forms K200N, K265N.
Identifiers: ClinVar variation 1479532 (VCV001479532.9), dbSNP rs145632023, ClinGen allele CA10411024.